The following is an entry in ClinVar:

ClinVar aggregate classification (germline): Uncertain significance (1 of 4 stars; one submission).

Conditions:
Rubinstein-Taybi syndrome due to CREBBP mutations (RSTS1). Also called: RUBINSTEIN-TAYBI SYNDROME 1, INCOMPLETE; Rubinstein-Taybi syndrome 1; BROAD THUMBS AND GREAT TOES, CHARACTERISTIC FACIES, AND IMPAIRED INTELLECTUAL DEVELOPMENT; CREBBP-Related Rubinstein-Taybi Syndrome; BROAD THUMB-HALLUX SYNDROME; RUBINSTEIN SYNDROME. Identifiers: Orphanet 353277, Orphanet 783, MedGen C4551859, MONDO:0008393, OMIM 180849.

Submission:

Neuberg Centre For Genomic Medicine, NCGM
Classification: Uncertain significance for Rubinstein-Taybi syndrome due to CREBBP mutations. Review status: criteria provided, single submitter. Criteria: ACMG Guidelines, 2015. Collection method: clinical testing. Allele origin: germline. Affected: yes.
Comment: The missense variant p.P1191T in CREBBP (NM_004380.3) has not been reported previously as a pathogenic variant nor as a benign variant, to our knowledge. The p.P1191T variant is novel (not in any individuals) in gnomAD Exomes and is novel (not in any individuals) in 1000 Genomes. The p.P1191T missense variant is predicted to be damaging by both SIFT and PolyPhen2. The proline residue at codon 1191 of CREBBP is conserved in all mammalian species. The nucleotide c.3571 in CREBBP is predicted conserved by GERP++ and PhyloP across 100 vertebrates. For these reasons, this variant has been classified as Uncertain Significance.

NM_004380.3(CREBBP):c.3571C>A (p.Pro1191Thr)

Gene: CREBBP (CREB binding lysine acetyltransferase; minus strand). Cytogenetic location: 16p13.3.
Variant type: single nucleotide variant.
Coding change: c.3571C>A on transcript NM_004380.3 (MANE Select); coding-DNA position 3571, C replaced by A.
Protein change: p.Pro1191Thr; replaces proline 1191 with threonine.
Molecular consequence: missense variant.
Genome position (GRCh38, 1-based): chr16:3,757,847, G>T on the plus strand (C>A on the coding strand, the complement: CREBBP is on the minus strand). VCF-style: chr16-3757847-G-T. GRCh37 (hg19) VCF-style: chr16-3807848-G-T.
Other names: c.3457C>A, p.Pro1153Thr (NM_001079846.1); short protein forms P1153T, P1191T.
Identifiers: ClinVar variation 1339050 (VCV001339050.2), dbSNP rs2151383193, ClinGen allele CA394568622.
Genomic context (GRCh38, chr16:3,757,847, plus strand): 5'-CCGGAAAAACTTAAAACTGTACCTTGCGTCCACAGCAATATCCAAGGGACTGCATGACAG[G>T]GTCAATTTCCTGCTCAAAGACCTCTGCAAGCTTACTGCAAAACTTATAGACTCGGGATGT-3'
Protein context (NP_004371.2, residues 1181-1201): LAEVFEQEID[Pro1191Thr]VMQSLGYCCG